The following is an entry in ClinVar:

ClinVar aggregate classification (germline): Conflicting classifications of pathogenicity. Review status: criteria provided, conflicting classifications (1 of 4 stars). 3 submissions from 3 submitters: Uncertain significance (2); Likely benign (1). Last evaluated 2025-03-17.

Conditions:
Familial cancer of breast. Also called: Hereditary breast cancer; hereditary breast carcinoma; BREAST CANCER, FAMILIAL. Identifiers: Orphanet 227535, MedGen C0346153, MONDO:0016419, OMIM 114480. Disease mechanism: loss of function.
Hereditary cancer-predisposing syndrome. Also called: Hereditary neoplastic syndrome; Neoplastic Syndromes, Hereditary; Hereditary Cancer Syndrome; Tumor predisposition. Identifiers: Orphanet 140162, MedGen C0027672, MeSH D009386, MONDO:0015356.

Submissions (3):

Ambry Genetics
Classification: Likely benign for Hereditary cancer-predisposing syndrome. Last evaluated: 2025-03-17. Review status: criteria provided, single submitter. Criteria: Ambry Variant Classification Scheme 2023. Collection method: clinical testing. Allele origin: germline.

GeneDx
Classification: Uncertain significance. Last evaluated: 2024-10-16. Review status: criteria provided, single submitter. Criteria: GeneDx Variant Classification Process June 2021. Collection method: clinical testing. Allele origin: germline.
Comment: Not observed at significant frequency in large population cohorts (gnomAD); In silico analysis indicates that this missense variant does not alter protein structure/function; Has not been previously published as pathogenic or benign to our knowledge

Labcorp Genetics (formerly Invitae), Labcorp
Classification: Uncertain significance for Familial cancer of breast. Last evaluated: 2024-08-11. Review status: criteria provided, single submitter. Criteria: Invitae Variant Classification Sherloc (09022015). Collection method: clinical testing. Allele origin: germline.
Comment: This sequence change replaces methionine, which is neutral and non-polar, with isoleucine, which is neutral and non-polar, at codon 383 of the BARD1 protein (p.Met383Ile). This variant is not present in population databases (gnomAD no frequency). This variant has not been reported in the literature in individuals affected with BARD1-related conditions. ClinVar contains an entry for this variant (Variation ID: 966559). An algorithm developed to predict the effect of missense changes on protein structure and function outputs the following: PolyPhen-2: "Benign". The isoleucine amino acid residue is found in multiple mammalian species, which suggests that this missense change does not adversely affect protein function. In summary, the available evidence is currently insufficient to determine the role of this variant in disease. Therefore, it has been classified as a Variant of Uncertain Significance.

NM_000465.4(BARD1):c.1149G>C (p.Met383Ile)

Gene: BARD1 (BRCA1 associated RING domain 1; minus strand). Cytogenetic location: 2q35.
Variant type: single nucleotide variant.
Coding change: c.1149G>C on transcript NM_000465.4 (MANE Select); coding-DNA position 1149, G replaced by C.
Protein change: p.Met383Ile; replaces methionine 383 with isoleucine.
Molecular consequence: missense variant. On other transcripts: non-coding transcript variant (2), intron variant (3).
Genome position (GRCh38, 1-based): chr2:214,780,725, C>G on the plus strand (G>C on the coding strand, the complement: BARD1 is on the minus strand). VCF-style: chr2-214780725-C-G. GRCh37 (hg19) VCF-style: chr2-215645449-C-G.
Other names: c.1149G>C (NM_000465.2); c.1092G>C, p.Met364Ile (NM_001282543.2); c.159-28170G>C (NM_001282548.2); c.215+16336G>C (NM_001282545.2); c.364+11572G>C (NM_001282549.2); short protein forms M364I, M383I.
Identifiers: ClinVar variation 966559 (VCV000966559.13), dbSNP rs1559423780, ClinGen allele CA350453962.
Genomic context (GRCh38, chr2:214,780,725, plus strand): 5'-ACTTGAACTACTTAATGTAGAAGGTGGTGTACCTGGTGAAAGACTAATGAATTCATCGGA[C>G]ATGTTACTGTTTTTCCTCCCTGATGTACCACCAACTTTACGTTTGCATGAAGGTGGTGAA-3'
Protein context (NP_000456.2, residues 373-393): GGTSGRKNSN[Met383Ile]SDEFISLSPG